The following is an entry in ClinVar:

ClinVar aggregate classification (germline): Uncertain significance (1 of 4 stars; one submission).

Submission:

GeneDx
Classification: Uncertain significance. Last evaluated: 2025-06-10. Review status: criteria provided, single submitter. Criteria: GeneDx Variant Classification Process June 2021. Collection method: clinical testing. Allele origin: germline. Affected: yes.
Comment: Not observed at significant frequency in large population cohorts (gnomAD); In silico analysis supports that this missense variant has a deleterious effect on protein structure/function; Has not been previously published as pathogenic or benign to our knowledge

NM_153252.5(BRWD3):c.166A>T (p.Ser56Cys)

Gene: BRWD3 (bromodomain and WD repeat domain containing 3; minus strand). Cytogenetic location: Xq21.1.
Variant type: single nucleotide variant.
Coding change: c.166A>T on transcript NM_153252.5 (MANE Select); coding-DNA position 166, A replaced by T.
Protein change: p.Ser56Cys; replaces serine 56 with cysteine.
Molecular consequence: missense variant.
Genome position (GRCh38, 1-based): chrX:80,808,553, T>A on the plus strand (A>T on the coding strand, the complement: BRWD3 is on the minus strand). VCF-style: chrX-80808553-T-A. GRCh37 (hg19) VCF-style: chrX-80064052-T-A.
Other names: c.166A>T, p.Ser56Cys (NM_001441339.1); short protein forms S56C.
Identifiers: ClinVar variation 4538021 (VCV004538021.1).